The following is an entry in ClinVar:

ClinVar aggregate classification (germline): Pathogenic/Likely pathogenic. Review status: criteria provided, multiple submitters, no conflicts (2 of 4 stars). 5 submissions from 5 submitters: Pathogenic (3); Likely pathogenic (1). 1 of the submissions does not count toward it. Last evaluated 2024-04-15.

Conditions:
Intellectual developmental disorder, autosomal recessive 66. Also called: Mental retardation, autosomal recessive 66; Intellectual disability, autosomal recessive 66. Identifiers: MedGen C4748732, MONDO:0032605, OMIM 618221.

Allele frequency attached by ClinVar (database versions not stated): gnomAD 0.00001; ExAC 0.00002; TOPMed 0.00001; gnomAD exomes 0.00002.
gnomAD v4.1: 20 of 1,613,662 alleles (0.0012%); highest among the groups gnomAD compares: East Asian, 0.0022%; no homozygotes.

Submissions (5):

GeneDx
Classification: Pathogenic. Last evaluated: 2024-04-15. Review status: criteria provided, single submitter. Criteria: GeneDx Variant Classification Process June 2021. Collection method: clinical testing. Allele origin: germline. Affected: yes.
Comment: Nonsense variant predicted to result in protein truncation or nonsense mediated decay in a gene for which loss of function is a known mechanism of disease; This variant is associated with the following publications: (PMID: 28097321)

3billion
Classification: Pathogenic for Intellectual developmental disorder, autosomal recessive 66. Last evaluated: 2022-01-03. Review status: criteria provided, single submitter. Criteria: ACMG Guidelines, 2015. Collection method: clinical testing. Allele origin: germline. Affected: yes. Observed: 1 homozygote.
Comment: Stop-gained (nonsense): predicted to result in a loss or disruption of normal protein function through nonsense-mediated decay (NMD) or protein truncation. Multiple pathogenic variants are reported downstream of the variant (PVS1_VS).The variant has been reported at least twice as pathogenic/likely pathogenic with clinical assertions and evidence for the classification (ClinVar ID: VCV000592164, PMID:28097321). It is observed at an extremely low frequency in the gnomAD v2.1.1 dataset (total allele frequency: 0.000025, PM2_M). Therefore, this variant is classified as pathogenic according to the recommendation of ACMG/AMP guideline.

Institute of Human Genetics, University of Leipzig Medical Center
Classification: Pathogenic for Intellectual developmental disorder, autosomal recessive 66. Last evaluated: 2020-03-01. Review status: criteria provided, single submitter. Criteria: ACMG Guidelines, 2015. Collection method: clinical testing. Allele origin: biparental. Inheritance: Autosomal recessive inheritance. Affected: yes.
Comment: Review of the variants reported in Reuter et al., 2017, PMID: 28097321: PVS1,PM2,PM3_Supporting

SIB Swiss Institute of Bioinformatics
Classification: Likely pathogenic for Intellectual developmental disorder, autosomal recessive 66. Last evaluated: 2020-02-14. Review status: criteria provided, single submitter. Criteria: ACMG Guidelines, 2015. Collection method: curation. Allele origin: unknown.
Comment: This variant is interpreted as likely pathogenic for Mental retardation, autosomal recessive 66. The following ACMG Tag(s) were applied: PM2, PVS1-Strong.

OMIM
Classification: Pathogenic for INTELLECTUAL DEVELOPMENTAL DISORDER, AUTOSOMAL RECESSIVE 66. Last evaluated: 2021-12-22. Review status: no assertion criteria provided. Collection method: literature only. Allele origin: germline. Not counted in ClinVar's aggregate classification.

Literature cited by the submitters: PubMed 28097321 (cited by 3 submitters).

NM_020374.4(FERRY3):c.1360C>T (p.Arg454Ter)

Gene: FERRY3 (FERRY endosomal RAB5 effector complex subunit 3; minus strand). Cytogenetic location: 12p13.32.
Variant type: single nucleotide variant.
Coding change: c.1360C>T on transcript NM_020374.4 (MANE Select); coding-DNA position 1360, C replaced by T.
Protein change: p.Arg454Ter; replaces arginine 454 with a stop codon.
Molecular consequence: nonsense. On other transcripts: non-coding transcript variant (3).
Genome position (GRCh38, 1-based): chr12:4,500,218, G>A on the plus strand (C>T on the coding strand, the complement: FERRY3 is on the minus strand). VCF-style: chr12-4500218-G-A. GRCh37 (hg19) VCF-style: chr12-4609384-G-A.
Other names: C12ORF4,  ARG454TER; c.1360C>T, p.Arg454Ter (NM_001304811.2); c.1231C>T, p.Arg411Ter (NM_001346153.2, NM_001346155.2); c.841C>T, p.Arg281Ter (NM_001346156.2); c.712C>T, p.Arg238Ter (NM_001346157.2); c.508C>T, p.Arg170Ter (NM_001352962.2); short protein forms R454*, R170*, R238*, R281*, R411*.
Identifiers: ClinVar variation 592164 (VCV000592164.7), dbSNP rs749969789, ClinGen allele CA6396128.
Genomic context (GRCh38, chr12:4,500,218, plus strand): 5'-GCAAGAGAGGAATGCTTATTGTTGTGATGTCATGGGTACAGCAAACTTTGAGTATATTTC[G>A]GAGTCCCATAATGGCAGGATCACGAGCAGTGATGTTTCCCGATTTCACATGGTCATCCAC-3'